The following is an entry in ClinVar:

ClinVar aggregate classification (germline): Benign/Likely benign. Review status: criteria provided, multiple submitters, no conflicts (2 of 4 stars). 6 submissions from 6 submitters: Benign (1); Likely benign (4). 1 of the submissions does not count toward it. Last evaluated 2026-01-27.

Conditions:
Familial ovarian cancer. Identifiers: MedGen C5679802, MONDO:0016248.
Hereditary cancer-predisposing syndrome. Also called: Hereditary neoplastic syndrome; Neoplastic Syndromes, Hereditary; Tumor predisposition; Hereditary Cancer Syndrome. Identifiers: Orphanet 140162, MedGen C0027672, MeSH D009386, MONDO:0015356.
Peutz-Jeghers syndrome (PJS). Also called: POLYPOSIS, HAMARTOMATOUS INTESTINAL; POLYPS-AND-SPOTS SYNDROME; Peutz-Jeghers polyposis; Periorificial lentiginosis syndrome. Identifiers: Orphanet 2869, MedGen C0031269, MeSH D010580, MONDO:0008280, OMIM 175200.

Allele frequency attached by ClinVar (database versions not stated): ExAC below 0.00001.

Submissions (6):

Labcorp Genetics (formerly Invitae), Labcorp
Classification: Likely benign for Peutz-Jeghers syndrome. Last evaluated: 2026-01-27. Review status: criteria provided, single submitter. Criteria: Invitae Variant Classification Sherloc (09022015). Collection method: clinical testing. Allele origin: germline.

Myriad Genetics, Inc.
Classification: Benign for Peutz-Jeghers syndrome. Last evaluated: 2025-03-27. Review status: criteria provided, single submitter. Criteria: Myriad Autosomal Dominant, Autosomal Recessive and X-Linked Classification Criteria (2023). Collection method: clinical testing. Allele origin: unknown.
Comment: This variant is considered benign. This variant is a silent/synonymous amino acid change and it is not expected to impact splicing.

All of Us Research Program, National Institutes of Health
Classification: Likely benign for Peutz-Jeghers syndrome. Last evaluated: 2023-09-17. Review status: criteria provided, single submitter. Criteria: ACMG Guidelines, 2015. Collection method: clinical testing. Allele origin: germline. Inheritance: Autosomal dominant inheritance. Observed: 1 variant allele, 1 heterozygote.
Comment: This study involves interpretation of variants in research participants for the purpose of population health screening. Participant phenotype was not available at the time of variant classification. Additional details can be found in publication PMID: 35346344, PMCID: PMC8962531

Color Diagnostics, LLC DBA Color Health
Classification: Likely benign for Hereditary cancer-predisposing syndrome. Last evaluated: 2017-11-08. Review status: criteria provided, single submitter. Criteria: ACMG Guidelines, 2015. Collection method: clinical testing. Allele origin: germline.

Ambry Genetics
Classification: Likely benign for Hereditary cancer-predisposing syndrome. Last evaluated: 2016-12-09. Review status: criteria provided, single submitter. Criteria: Ambry Variant Classification Scheme 2023. Collection method: clinical testing. Allele origin: germline.

Department of Pathology and Laboratory Medicine, Sinai Health System
Classification: Likely benign for Familial ovarian cancer. Review status: no assertion criteria provided. Collection method: clinical testing. Allele origin: unknown. Affected: yes. Study: The Canadian Open Genetics Repository (COGR). Not counted in ClinVar's aggregate classification.
Comment: The STK11 p.Gly279= variant was not identified in the literature nor was it identified in the LOVD 3.0 database. The variant was identified in dbSNP (ID: rs373021819) , and in ClinVar (classified as likely benign by Ambry Genetics). The variant was not identified in the following control databases: the Exome Aggregation Consortium (August 8th 2016), or the Genome Aggregation Database (Feb 27, 2017). The p.Gly279= variant is not expected to have clinical significance because it does not result in a change of amino acid and is not located in a known consensus splice site. In addition, in silico or computational prediction software programs (SpliceSiteFinder, MaxEntScan, NNSPLICE, GeneSplicer) do not predict a difference in splicing. In summary, based on the above information the clinical significance of this variant cannot be determined with certainty at this time although we would lean towards a more benign role for this variant. This variant is classified as likely benign.

NM_000455.5(STK11):c.837C>A (p.Gly279=)

Gene: STK11 (serine/threonine kinase 11; plus strand). Cytogenetic location: 19p13.3.
Variant type: single nucleotide variant.
Coding change: c.837C>A on transcript NM_000455.5 (MANE Select); coding-DNA position 837, C replaced by A.
Protein change: p.Gly279=; no amino-acid change (glycine 279 retained).
Molecular consequence: synonymous variant.
Genome position (GRCh38, 1-based): chr19:1,221,315, C>A. VCF-style: chr19-1221315-C-A. GRCh37 (hg19) VCF-style: chr19-1221314-C-A.
Identifiers: ClinVar variation 480727 (VCV000480727.21), dbSNP rs373021819, ClinGen allele CA049084.